The following is an entry in ClinVar:

NM_003263.4(TLR1):c.1938C>T (p.His646=)

Gene: TLR1 (toll like receptor 1; minus strand). Cytogenetic location: 4p14.
Variant type: single nucleotide variant.
Coding change: c.1938C>T on transcript NM_003263.4 (MANE Select); coding-DNA position 1938, C replaced by T.
Protein change: p.His646=; no amino-acid change (histidine 646 retained).
Molecular consequence: synonymous variant.
Genome position (GRCh38, 1-based): chr4:38,796,894, G>A on the plus strand (C>T on the coding strand, the complement: TLR1 is on the minus strand). VCF-style: chr4-38796894-G-A. GRCh37 (hg19) VCF-style: chr4-38798515-G-A.
Identifiers: ClinVar variation 779876 (VCV000779876.6), dbSNP rs72493538, ClinGen allele CA2889242.

ClinVar aggregate classification (germline): Benign. Review status: criteria provided, multiple submitters, no conflicts (2 of 4 stars). 3 submissions from 3 submitters: Benign (2). 1 of the submissions does not count toward it. Last evaluated 2018-05-15.

Conditions:
TLR1-related disorder. Also called: TLR1-related condition.

Allele frequency attached by ClinVar (database versions not stated): gnomAD 0.00609; 1000 Genomes Project 30x 0.01874; ESP Exome Variant Server 0.00038; gnomAD exomes 0.00262 and 0.00862; ExAC 0.00848; TOPMed 0.00774; 1000 Genomes Project 0.02117.

Submissions (3):

Labcorp Genetics (formerly Invitae), Labcorp
Classification: Benign. Last evaluated: 2018-05-15. Review status: criteria provided, single submitter. Criteria: Invitae Variant Classification Sherloc (09022015). Collection method: clinical testing. Allele origin: germline.

Breakthrough Genomics
Classification: Benign. Review status: criteria provided, single submitter. Criteria: ACMG Guidelines, 2015. Collection method: not provided. Allele origin: germline. Inheritance: Unknown mechanism. Affected: yes.

PreventionGenetics, part of Exact Sciences
Classification: Benign for TLR1-related condition. Last evaluated: 2019-08-16. Review status: no assertion criteria provided. Collection method: clinical testing. Allele origin: germline. Not counted in ClinVar's aggregate classification.
Comment: This variant is classified as benign based on ACMG/AMP sequence variant interpretation guidelines (Richards et al. 2015 PMID: 25741868, with internal and published modifications).